The following is an entry in ClinVar:

NM_181783.4(TMTC3):c.895G>C (p.Glu299Gln)

Gene: TMTC3 (transmembrane O-mannosyltransferase targeting cadherins 3; plus strand). Cytogenetic location: 12q21.32.
Variant type: single nucleotide variant.
Coding change: c.895G>C on transcript NM_181783.4 (MANE Select); coding-DNA position 895, G replaced by C.
Protein change: p.Glu299Gln; replaces glutamic acid 299 with glutamine.
Molecular consequence: missense variant. On other transcripts: non-coding transcript variant (1).
Genome position (GRCh38, 1-based): chr12:88,166,427, G>C. VCF-style: chr12-88166427-G-C. GRCh37 (hg19) VCF-style: chr12-88560204-G-C.
Other names: c.715G>C, p.Glu239Gln (NM_001366574.1); c.676G>C, p.Glu226Gln (NM_001366579.1); c.628G>C, p.Glu210Gln (NM_001366580.1); c.202G>C, p.Glu68Gln (NM_001366583.1); short protein forms E210Q, E239Q, E226Q, E299Q, E68Q.
Identifiers: ClinVar variation 2059433 (VCV002059433.3), dbSNP rs145643372, ClinGen allele CA6713163.

ClinVar aggregate classification (germline): Uncertain significance. Review status: criteria provided, multiple submitters, no conflicts (2 of 4 stars). 2 submissions from 2 submitters: Uncertain significance (2). Last evaluated 2022-07-21.

Conditions:
Inborn genetic diseases. Identifiers: MedGen C0950123, MeSH D030342.

Allele frequency attached by ClinVar (database versions not stated): gnomAD exomes 0.00002; ExAC 0.00003; ESP Exome Variant Server 0.00008; gnomAD 0.00014; TOPMed 0.00022.
gnomAD v4.1: 45 of 1,613,618 alleles (0.0028%); highest among the groups gnomAD compares: African/African-American, 0.047%; no homozygotes.

Submissions (2):

Labcorp Genetics (formerly Invitae), Labcorp
Classification: Uncertain significance. Last evaluated: 2022-07-21. Review status: criteria provided, single submitter. Criteria: Invitae Variant Classification Sherloc (09022015). Collection method: clinical testing. Allele origin: germline.
Comment: In summary, the available evidence is currently insufficient to determine the role of this variant in disease. Therefore, it has been classified as a Variant of Uncertain Significance. Algorithms developed to predict the effect of missense changes on protein structure and function (SIFT, PolyPhen-2, Align-GVGD) all suggest that this variant is likely to be tolerated. This variant has not been reported in the literature in individuals affected with TMTC3-related conditions. This variant is present in population databases (rs145643372, gnomAD 0.03%). This sequence change replaces glutamic acid, which is acidic and polar, with glutamine, which is neutral and polar, at codon 299 of the TMTC3 protein (p.Glu299Gln).

Ambry Genetics
Classification: Uncertain significance for Inborn genetic diseases. Last evaluated: 2021-07-27. Review status: criteria provided, single submitter. Criteria: Ambry Variant Classification Scheme 2023. Collection method: clinical testing. Allele origin: germline.